The following is an entry in ClinVar:

NM_001378454.1(ALMS1):c.4321C>T (p.Gln1441Ter)

Gene: ALMS1 (ALMS1 centrosome and basal body associated protein; plus strand). Cytogenetic location: 2p13.1.
Variant type: single nucleotide variant.
Coding change: c.4321C>T on transcript NM_001378454.1 (MANE Select); coding-DNA position 4321, C replaced by T.
Protein change: p.Gln1441Ter; replaces glutamine 1441 with a stop codon.
Molecular consequence: nonsense.
Genome position (GRCh38, 1-based): chr2:73,450,848, C>T. VCF-style: chr2-73450848-C-T. GRCh37 (hg19) VCF-style: chr2-73677975-C-T.
Other names: c.4324C>T, p.Gln1442Ter (NM_015120.4); short protein forms Q1441*, Q1442*.
Identifiers: ClinVar variation 2046221 (VCV002046221.5), dbSNP rs2466101288, ClinGen allele CA347278116.
Genomic context (GRCh38, chr2:73,450,848, plus strand): 5'-ATACCAACTTTACCCTCTACTTTCTACTCACACACAGAGAAGCCTGGTAGTTTCTACCAA[C>T]AGGTCTTGCCACATAGTCATCTACCTGAAGAGGCTTTGGAAGTTTCAGTTGCTCCTGGAC-3'

ClinVar aggregate classification (germline): Pathogenic/Likely pathogenic. Review status: criteria provided, multiple submitters, no conflicts (2 of 4 stars). 2 submissions from 2 submitters: Pathogenic (1); Likely pathogenic (1). Last evaluated 2023-03-20.

Conditions:
Alstrom syndrome (ALMS). Identifiers: Orphanet 64, MedGen C0268425, MONDO:0008763, OMIM 203800.

Allele frequency attached by ClinVar (database versions not stated): gnomAD exomes below 0.00001.
gnomAD v4.1: 1 of 1,614,146 alleles (0.000062%); highest among the groups gnomAD compares: South Asian, 0.0011%; no homozygotes.

Submissions (2):

Women's Health and Genetics/Laboratory Corporation of America, LabCorp
Classification: Likely pathogenic for Alstrom syndrome. Last evaluated: 2023-03-20. Review status: criteria provided, single submitter. Criteria: LabCorp Variant Classification Summary - May 2015. Collection method: clinical testing. Allele origin: germline.
Comment: Variant summary: ALMS1 c.4318C>T/p.Gln1440X (also known as c.4324C>T/p.Gln1442X in RefSeq) results in a premature termination codon, predicted to cause a truncation of the encoded protein or absence of the protein due to nonsense mediated decay, which are commonly known mechanisms for disease. Truncations downstream of this position have been classified as pathogenic by our laboratory. The variant was absent in 249194 control chromosomes. To our knowledge, no occurrence of c.4318C>T in individuals affected with Alstrom Syndrome and no experimental evidence demonstrating its impact on protein function have been reported. One clinical diagnostic laboratory has submitted clinical-significance assessments for this variant to ClinVar after 2014 without evidence for independent evaluation and classified the variant as pathogenic. Based on the evidence outlined above, the variant was classified as likely pathogenic.

Labcorp Genetics (formerly Invitae), Labcorp
Classification: Pathogenic for Alstrom syndrome. Last evaluated: 2022-08-30. Review status: criteria provided, single submitter. Criteria: Invitae Variant Classification Sherloc (09022015). Collection method: clinical testing. Allele origin: germline.
Comment: For these reasons, this variant has been classified as Pathogenic. This variant has not been reported in the literature in individuals affected with ALMS1-related conditions. This variant is not present in population databases (gnomAD no frequency). This sequence change creates a premature translational stop signal (p.Gln1442*) in the ALMS1 gene. It is expected to result in an absent or disrupted protein product. Loss-of-function variants in ALMS1 are known to be pathogenic (PMID: 17594715).

Literature cited by the submitters: PubMed 17594715 (cited by Labcorp Genetics (formerly Invitae), Labcorp).